The following is an entry in ClinVar:

ClinVar aggregate classification (germline): Uncertain significance (1 of 4 stars; one submission).

Conditions:
Peroxisome biogenesis disorder 2B (PBD2B). Identifiers: Orphanet 44, MedGen C3550234, MONDO:0008736, OMIM 202370.

Allele frequency attached by ClinVar (database versions not stated): gnomAD 0.00003; TOPMed 0.00003; ESP Exome Variant Server 0.00008.
gnomAD v4.1: 15 of 1,605,426 alleles (0.00093%); highest among the groups gnomAD compares: African/African-American, 0.0027%; no homozygotes.

Submission:

Labcorp Genetics (formerly Invitae), Labcorp
Classification: Uncertain significance for Peroxisome biogenesis disorder 2B. Last evaluated: 2025-05-19. Review status: criteria provided, single submitter. Criteria: Invitae Variant Classification Sherloc (09022015). Collection method: clinical testing. Allele origin: germline.
Comment: This sequence change replaces arginine, which is basic and polar, with histidine, which is basic and polar, at codon 158 of the PEX5 protein (p.Arg158His). The frequency data for this variant in the population databases is considered unreliable, as metrics indicate poor data quality at this position in the gnomAD database. This variant has not been reported in the literature in individuals affected with PEX5-related conditions. ClinVar contains an entry for this variant (Variation ID: 1401557). Invitae Evidence Modeling of protein sequence and biophysical properties (such as structural, functional, and spatial information, amino acid conservation, physicochemical variation, residue mobility, and thermodynamic stability) indicates that this missense variant is not expected to disrupt PEX5 protein function with a negative predictive value of 80%. In summary, the available evidence is currently insufficient to determine the role of this variant in disease. Therefore, it has been classified as a Variant of Uncertain Significance.

NM_001351132.2(PEX5):c.473G>A (p.Arg158His)

Gene: PEX5 (peroxisomal biogenesis factor 5; plus strand). Cytogenetic location: 12p13.31.
Variant type: single nucleotide variant.
Coding change: c.473G>A on transcript NM_001351132.2 (MANE Select); coding-DNA position 473, G replaced by A.
Protein change: p.Arg158His; replaces arginine 158 with histidine.
Molecular consequence: missense variant.
Genome position (GRCh38, 1-based): chr12:7,199,035, G>A. VCF-style: chr12-7199035-G-A. GRCh37 (hg19) VCF-style: chr12-7351631-G-A.
Other names: c.473G>A, p.Arg158His (NM_000319.5, NM_001131024.2, NM_001131025.2 and 19 more transcripts); c.518G>A, p.Arg173His (NM_001131023.2, NM_001351135.3, NM_001351138.2); short protein forms R158H, R173H.
Identifiers: ClinVar variation 1401557 (VCV001401557.7), dbSNP rs140456601, ClinGen allele CA6426151.